The following is an entry in ClinVar:

NM_000405.5(GM2A):c.205_206delinsGC (p.Met69Ala)

Gene: GM2A (ganglioside GM2 activator; plus strand). Cytogenetic location: 5q33.1.
Variant type: Indel.
Coding change: c.205_206delinsGC on transcript NM_000405.5 (MANE Select); coding-DNA positions 205 to 206, AT replaced by GC.
Protein change: p.Met69Ala; replaces methionine 69 with alanine.
Molecular consequence: missense variant.
Genome position (GRCh38, 1-based): chr5:151,259,878-151,259,879, AT replaced by GC. VCF-style: chr5-151259878-AT-GC. GRCh37 (hg19) VCF-style: chr5-150639439-AT-GC.
Other names: c.205_206delinsGC, p.Met69Ala (NM_001167607.3); short protein forms M69A.
Identifiers: ClinVar variation 2201263 (VCV002201263.2), dbSNP rs2531746337, ClinGen allele CA2580073924.

ClinVar aggregate classification (germline): Uncertain significance (1 of 4 stars; one submission).

Conditions:
Tay-Sachs disease, variant AB. Also called: Gm2-gangliosidosis, ab variant; GM2 Activator Deficiency. Identifiers: Orphanet 309246, MedGen C0268275, MONDO:0010099, OMIM 272750.

Submission:

Labcorp Genetics (formerly Invitae), Labcorp
Classification: Uncertain significance for Tay-Sachs disease, variant AB. Last evaluated: 2023-12-11. Review status: criteria provided, single submitter. Criteria: Invitae Variant Classification Sherloc (09022015). Collection method: clinical testing. Allele origin: germline.
Comment: This sequence change replaces methionine, which is neutral and non-polar, with alanine, which is neutral and non-polar, at codon 69 of the GM2A protein (p.Met69Ala). The frequency data for this variant in the population databases is considered unreliable, as metrics indicate poor data quality at this position in the gnomAD database. This variant has not been reported in the literature in individuals affected with GM2A-related conditions. ClinVar contains an entry for this variant (Variation ID: 2201263). An algorithm developed to predict the effect of missense changes on protein structure and function (PolyPhen-2) suggests that this variant¬†is likely to be tolerated. In summary, the available evidence is currently insufficient to determine the role of this variant in disease. Therefore, it has been classified as a Variant of Uncertain Significance.